The following is an entry in ClinVar:

ClinVar aggregate classification (germline): Uncertain significance (1 of 4 stars; one submission).

Allele frequency attached by ClinVar (database versions not stated): ExAC 0.00002; gnomAD exomes below 0.00001; gnomAD 0.00001; TOPMed 0.00001.

Submission:

Labcorp Genetics (formerly Invitae), Labcorp
Classification: Uncertain significance. Last evaluated: 2023-09-25. Review status: criteria provided, single submitter. Criteria: Invitae Variant Classification Sherloc (09022015). Collection method: clinical testing. Allele origin: germline.
Comment: In summary, the available evidence is currently insufficient to determine the role of this variant in disease. Therefore, it has been classified as a Variant of Uncertain Significance. Algorithms developed to predict the effect of sequence changes on RNA splicing suggest that this variant may disrupt the consensus splice site. ClinVar contains an entry for this variant (Variation ID: 1943415). This variant has not been reported in the literature in individuals affected with ATAD1-related conditions. This variant is present in population databases (rs753392072, gnomAD 0.002%). This sequence change creates a premature translational stop signal (p.Gln230*) in the ATAD1 gene. It is expected to result in an absent or disrupted protein product. However, the current clinical and genetic evidence is not sufficient to establish whether loss-of-function variants in ATAD1 cause disease.

NM_001321967.2(ATAD1):c.688C>T (p.Gln230Ter)

Gene: ATAD1 (ATPase family AAA domain containing 1; minus strand). Cytogenetic location: 10q23.31.
Variant type: single nucleotide variant.
Coding change: c.688C>T on transcript NM_001321967.2 (MANE Select); coding-DNA position 688, C replaced by T.
Protein change: p.Gln230Ter; replaces glutamine 230 with a stop codon.
Molecular consequence: nonsense. On other transcripts: non-coding transcript variant (1).
Genome position (GRCh38, 1-based): chr10:87,776,323, G>A on the plus strand (C>T on the coding strand, the complement: ATAD1 is on the minus strand). VCF-style: chr10-87776323-G-A. GRCh37 (hg19) VCF-style: chr10-89536080-G-A.
Other names: c.688C>T, p.Gln230Ter (NM_001321968.2, NM_032810.4); c.331C>T, p.Gln111Ter (NM_001321969.2); short protein forms Q111*, Q230*.
Identifiers: ClinVar variation 1943415 (VCV001943415.3), dbSNP rs753392072, ClinGen allele CA5590034.